The following is an entry in ClinVar:

ClinVar aggregate classification (germline): Uncertain significance. Review status: criteria provided, multiple submitters, no conflicts (2 of 4 stars). 3 submissions from 3 submitters: Uncertain significance (3). Last evaluated 2023-07-26.

Conditions:
Hereditary cancer-predisposing syndrome. Also called: Tumor predisposition; Neoplastic Syndromes, Hereditary; Hereditary Cancer Syndrome; Hereditary neoplastic syndrome. Identifiers: Orphanet 140162, MedGen C0027672, MeSH D009386, MONDO:0015356.
Tuberous sclerosis 1 (TSC1). Identifiers: Orphanet 805, MedGen C1854465, MONDO:0008612, OMIM 191100.

Allele frequency attached by ClinVar (database versions not stated): gnomAD exomes below 0.00001.
gnomAD v4.1: 1 of 1,614,160 alleles (0.000062%); highest among the groups gnomAD compares: East Asian, 0.0022%; no homozygotes.

Submissions (3):

Ambry Genetics
Classification: Uncertain significance for Hereditary cancer-predisposing syndrome. Last evaluated: 2023-07-26. Review status: criteria provided, single submitter. Criteria: Ambry Variant Classification Scheme 2023. Collection method: clinical testing. Allele origin: germline.
Comment: The p.G939V variant (also known as c.2816G>T), located in coding exon 20 of the TSC1 gene, results from a G to T substitution at nucleotide position 2816. The glycine at codon 939 is replaced by valine, an amino acid with dissimilar properties. This amino acid position is not well conserved in available vertebrate species. In addition, this alteration is predicted to be tolerated by in silico analysis. Since supporting evidence is limited at this time, the clinical significance of this alteration remains unclear.

Labcorp Genetics (formerly Invitae), Labcorp
Classification: Uncertain significance for Tuberous sclerosis 1. Last evaluated: 2023-03-26. Review status: criteria provided, single submitter. Criteria: Invitae Variant Classification Sherloc (09022015). Collection method: clinical testing. Allele origin: germline.
Comment: In summary, the available evidence is currently insufficient to determine the role of this variant in disease. Therefore, it has been classified as a Variant of Uncertain Significance. An algorithm developed to predict the effect of missense changes on protein structure and function (PolyPhen-2) suggests that this variant is likely to be tolerated. ClinVar contains an entry for this variant (Variation ID: 486583). This variant has not been reported in the literature in individuals affected with TSC1-related conditions. This variant is present in population databases (no rsID available, gnomAD 0.006%). This sequence change replaces glycine, which is neutral and non-polar, with valine, which is neutral and non-polar, at codon 939 of the TSC1 protein (p.Gly939Val).

Genome-Nilou Lab
Classification: Uncertain significance for Tuberous sclerosis 1. Last evaluated: 2021-11-07. Review status: criteria provided, single submitter. Criteria: ACMG Guidelines, 2015. Collection method: clinical testing. Allele origin: germline. Affected: no.

NM_000368.5(TSC1):c.2816G>T (p.Gly939Val)

Gene: TSC1 (TSC complex subunit 1; minus strand). Cytogenetic location: 9q34.13.
Variant type: single nucleotide variant.
Coding change: c.2816G>T on transcript NM_000368.5 (MANE Select); coding-DNA position 2816, G replaced by T.
Protein change: p.Gly939Val; replaces glycine 939 with valine.
Molecular consequence: missense variant.
Genome position (GRCh38, 1-based): chr9:132,897,343, C>A on the plus strand (G>T on the coding strand, the complement: TSC1 is on the minus strand). VCF-style: chr9-132897343-C-A. GRCh37 (hg19) VCF-style: chr9-135772730-C-A.
Other names: c.2813G>T, p.Gly938Val (NM_001162426.2); c.2663G>T, p.Gly888Val (NM_001162427.2); c.2453G>T, p.Gly818Val (NM_001362177.2); short protein forms G939V, G938V, G818V, G888V.
Identifiers: ClinVar variation 486583 (VCV000486583.16), dbSNP rs1350545510, ClinGen allele CA375368946.